The following is an entry in ClinVar:

NM_014915.3(ANKRD26):c.3588A>T (p.Leu1196Phe)

Gene: ANKRD26 (ankyrin repeat domain 26; minus strand). Cytogenetic location: 10p12.1.
Variant type: single nucleotide variant.
Coding change: c.3588A>T on transcript NM_014915.3 (MANE Select); coding-DNA position 3588, A replaced by T.
Protein change: p.Leu1196Phe; replaces leucine 1196 with phenylalanine.
Molecular consequence: missense variant.
Genome position (GRCh38, 1-based): chr10:27,034,862, T>A on the plus strand (A>T on the coding strand, the complement: ANKRD26 is on the minus strand). VCF-style: chr10-27034862-T-A. GRCh37 (hg19) VCF-style: chr10-27323791-T-A.
Other names: c.3585A>T, p.Leu1195Phe (NM_001256053.2); short protein forms L1195F, L1196F.
Identifiers: ClinVar variation 4859134 (VCV004859134.1).

ClinVar aggregate classification (germline): Uncertain significance (1 of 4 stars; one submission).

Conditions:
Inborn genetic diseases. Identifiers: MedGen C0950123, MeSH D030342.

Submission:

Ambry Genetics
Classification: Uncertain significance for Inborn genetic diseases. Last evaluated: 2026-03-24. Review status: criteria provided, single submitter. Criteria: Ambry Variant Classification Scheme 2023. Collection method: clinical testing. Allele origin: germline.
Comment: The p.L1196F variant (also known as c.3588A>T), located in coding exon 24 of the ANKRD26 gene, results from an A to T substitution at nucleotide position 3588. The leucine at codon 1196 is replaced by phenylalanine, an amino acid with highly similar properties. This amino acid position is conserved. In addition, this alteration is predicted to be tolerated by in silico analysis. Based on the available evidence, the clinical significance of this variant remains unclear.